The following is an entry in ClinVar:

ClinVar aggregate classification (germline): Uncertain significance. Review status: criteria provided, multiple submitters, no conflicts (2 of 4 stars). 3 submissions from 3 submitters: Uncertain significance (2). 1 of the submissions does not count toward it. Last evaluated 2025-03-24.

Conditions:
Inborn genetic diseases. Identifiers: MedGen C0950123, MeSH D030342.
Fanconi anemia (FA). Also called: Fanconi's anemia. Identifiers: Orphanet 84, MedGen C0015625, MeSH D005199, MONDO:0019391.

Submissions (3):

Ambry Genetics
Classification: Uncertain significance for Inborn genetic diseases. Last evaluated: 2025-03-24. Review status: criteria provided, single submitter. Criteria: Ambry Variant Classification Scheme 2023. Collection method: clinical testing. Allele origin: germline.
Comment: The p.I1396L variant (also known as c.4186A>T), located in coding exon 42 of the FANCA gene, results from an A to T substitution at nucleotide position 4186. The isoleucine at codon 1396 is replaced by leucine, an amino acid with highly similar properties. This amino acid position is conserved. In addition, this alteration is predicted to be tolerated by in silico analysis. Based on the available evidence, the clinical significance of this variant remains unclear.

Labcorp Genetics (formerly Invitae), Labcorp
Classification: Uncertain significance for Fanconi anemia. Last evaluated: 2019-10-23. Review status: criteria provided, single submitter. Criteria: Invitae Variant Classification Sherloc (09022015). Collection method: clinical testing. Allele origin: germline.
Comment: Algorithms developed to predict the effect of missense changes on protein structure and function output the following: SIFT: "Tolerated"; PolyPhen-2: "Benign"; Align-GVGD: "Class C0". The leucine amino acid residue is found in multiple mammalian species, suggesting that this missense change does not adversely affect protein function. These predictions have not been confirmed by published functional studies and their clinical significance is uncertain. This variant has not been reported in the literature in individuals with FANCA-related conditions. This variant is not present in population databases (ExAC no frequency). This sequence change replaces isoleucine with leucine at codon 1396 of the FANCA protein (p.Ile1396Leu). The isoleucine residue is moderately conserved and there is a small physicochemical difference between isoleucine and leucine. In summary, the available evidence is currently insufficient to determine the role of this variant in disease. Therefore, it has been classified as a Variant of Uncertain Significance.

Natera, Inc.
Classification: Uncertain significance for Fanconi anemia. Last evaluated: 2025-04-09. Review status: no assertion criteria provided. Collection method: clinical testing. Allele origin: germline. Not counted in ClinVar's aggregate classification.

NM_000135.4(FANCA):c.4186A>T (p.Ile1396Leu)

Genes: FANCA (FA complementation group A; minus strand), ZNF276 (zinc finger protein 276; plus strand). Cytogenetic location: 16q24.3.
Variant type: single nucleotide variant.
Coding change: c.4186A>T on transcript NM_000135.4 (MANE Select); coding-DNA position 4186, A replaced by T.
Protein change: p.Ile1396Leu; replaces isoleucine 1396 with leucine.
Molecular consequence: missense variant. On other transcripts: 3 prime UTR variant (2), non-coding transcript variant (4).
Genome position (GRCh38, 1-based): chr16:89,738,956, T>A on the plus strand (A>T on the coding strand, the complement: FANCA is on the minus strand). VCF-style: chr16-89738956-T-A. GRCh37 (hg19) VCF-style: chr16-89805364-T-A.
Other names: c.4190A>T, p.Asp1397Val (NM_001286167.3); c.*710T>A (NM_001113525.2, NM_152287.4); c.4186A>T (NM_000135.3); short protein forms D1397V, I1396L.
Identifiers: ClinVar variation 955590 (VCV000955590.11), dbSNP rs1376923890, ClinGen allele CA397483705.